The following is an entry in ClinVar:

ClinVar aggregate classification (germline): Conflicting classifications of pathogenicity. Review status: criteria provided, conflicting classifications (1 of 4 stars). 4 submissions from 4 submitters: Pathogenic (2); Uncertain significance (2). Last evaluated 2026-08-03.

Conditions:
CPLANE1-related disorder. Also called: CPLANE1-related condition.
Joubert syndrome 17 (JBTS17). Identifiers: Orphanet 475, MedGen C3553264, MONDO:0013824, OMIM 614615.

Allele frequency attached by ClinVar (database versions not stated): gnomAD 0.00001; gnomAD exomes 0.00001; TOPMed 0.00001.
gnomAD v4.1: 17 of 1,530,122 alleles (0.0011%); highest among the groups gnomAD compares: African/African-American, 0.0028%; no homozygotes.

Submissions (4):

PreventionGenetics, part of Exact Sciences
Classification: Uncertain significance for CPLANE1-related condition. Last evaluated: 2026-08-03. Review status: criteria provided, single submitter. Criteria: ACMG Guidelines, 2015. Collection method: clinical testing. Allele origin: germline.
Comment: The CPLANE1 c.817A>C variant is predicted to result in the amino acid substitution p.Asn273His. This variant has been reported along with a second CPLANE1 variant in at least three individuals with Joubert syndrome (Table S5 in Bachmann-Gagescu et al. 2015. PubMed ID: 26092869; Figure 1, Romani et al. 2015. PubMed ID: 25407461; Table 2, Bonnard et al. 2018. PubMed ID: 29605658). This variant has not been reported in a large population database (gnomAD), indicating this variant is rare. Although we suspect that this variant may be pathogenic, at this time, the clinical significance of this variant is uncertain due to the absence of conclusive functional and genetic evidence.

Victorian Clinical Genetics Services, Murdoch Childrens Research Institute
Classification: Pathogenic for Joubert syndrome 17. Last evaluated: 2023-07-17. Review status: criteria provided, single submitter. Criteria: ACMG Guidelines, 2015. Collection method: clinical testing. Allele origin: germline. Inheritance: Autosomal recessive inheritance. Affected: yes.
Comment: Based on the classification scheme VCGS_Germline_v1.3.4, this variant is classified as Pathogenic. Following criteria are met: 0102 - Loss of function is a known mechanism of disease in this gene and is associated with Joubert syndrome 17 (MIM#614615) or orofaciodigital syndrome VI (MIM#277170). (I) 0106 - This gene is associated with autosomal recessive disease. (I) 0200 - Variant is predicted to result in a missense amino acid change from asparagine to histidine. (I) 0251 - This variant is heterozygous. (I) 0304 - Variant is present in gnomAD (v3) <0.01 for a recessive condition (1 heterozygote, 0 homozygotes). (SP) 0309 - An alternative amino acid change at the same position has been observed in gnomAD (v2) (1 heterozygote, 0 homozygotes). (I) 0502 - Missense variant with conflicting in silico predictions and uninformative conservation. (I) 0604 - Variant is not located in an established domain, motif, hotspot or informative constraint region. (I) 0705 - No comparable missense variants have previous evidence for pathogenicity. (I) 0802 - This variant has moderate previous evidence of pathogenicity in unrelated individuals. This variant has been reported in at least two unrelated individuals with Joubert syndrome, in whom a second hit was identified with phasing unclear (PMID: 26092869, PMID: 25407461, PMID: 29605658). It has also been classified as a VUS and as pathogenic (ClinVar). (SP) 0906 - Segregation evidence for this variant is inconclusive. This variant was identified in two affected siblings (PMID: 25407461, PMID: 29605658). (I) 1007 - No published functional evidence has been identified for this variant. (I) 1102 - Strong phenotype match for this individual. (SP) 1201 - Heterozygous variant detected in trans with a second pathogenic heterozygous variant (p.(Gln1345*)) in a recessive disease. (I) Legend: (SP) - Supporting pathogenic, (I) - Information, (SB) - Supporting benign

Labcorp Genetics (formerly Invitae), Labcorp
Classification: Uncertain significance. Last evaluated: 2021-08-13. Review status: criteria provided, single submitter. Criteria: Invitae Variant Classification Sherloc (09022015). Collection method: clinical testing. Allele origin: germline.
Comment: This sequence change replaces asparagine with histidine at codon 273 of the CPLANE1 protein (p.Asn273His). The asparagine residue is weakly conserved and there is a small physicochemical difference between asparagine and histidine. This variant is not present in population databases (ExAC no frequency). This missense change has been observed in individual(s) with Joubert syndrome (PMID: 26092869). ClinVar contains an entry for this variant (Variation ID: 217593). Algorithms developed to predict the effect of missense changes on protein structure and function are either unavailable or do not agree on the potential impact of this missense change (SIFT: "Deleterious"; PolyPhen-2: "Probably Damaging"; Align-GVGD: "Class C0"). In summary, the available evidence is currently insufficient to determine the role of this variant in disease. Therefore, it has been classified as a Variant of Uncertain Significance.

UW Hindbrain Malformation Research Program, University of Washington
Classification: Pathogenic for Joubert syndrome 17. Last evaluated: 2015-02-23. Review status: criteria provided, single submitter. Criteria: Bachmann-Gagescu et al. (J Med Genet. 2015). Collection method: research. Allele origin: unknown. Affected: yes.

Literature cited by the submitters: PubMed 25407461 (cited by Victorian Clinical Genetics Services, Murdoch Childrens Research Institute); PubMed 26092869 (cited by Victorian Clinical Genetics Services, Murdoch Childrens Research Institute and Labcorp Genetics (formerly Invitae), Labcorp); PubMed 29605658 (cited by Victorian Clinical Genetics Services, Murdoch Childrens Research Institute).

NM_001384732.1(CPLANE1):c.817A>C (p.Asn273His)

Gene: CPLANE1 (ciliogenesis and planar polarity effector complex subunit 1; minus strand). Cytogenetic location: 5p13.2.
Variant type: single nucleotide variant.
Coding change: c.817A>C on transcript NM_001384732.1 (MANE Select); coding-DNA position 817, A replaced by C.
Protein change: p.Asn273His; replaces asparagine 273 with histidine.
Molecular consequence: missense variant.
Genome position (GRCh38, 1-based): chr5:37,239,730, T>G on the plus strand (A>C on the coding strand, the complement: CPLANE1 is on the minus strand). VCF-style: chr5-37239730-T-G. GRCh37 (hg19) VCF-style: chr5-37239832-T-G.
Other names: c.817A>C, p.Asn273His (NM_023073.4); short protein forms N273H.
Identifiers: ClinVar variation 217593 (VCV000217593.10), dbSNP rs863225167, ClinGen allele CA279544.